The following is an entry in ClinVar:

ClinVar aggregate classification (germline): Uncertain significance. Review status: criteria provided, multiple submitters, no conflicts (2 of 4 stars). 2 submissions from 2 submitters: Uncertain significance (2). Last evaluated 2026-01-22.

Conditions:
Ataxia-telangiectasia syndrome (AT). Also called: ATAXIA-TELANGIECTASIA, COMPLEMENTATION GROUP A; ATAXIA-TELANGIECTASIA, FRESNO VARIANT; Ataxia-telangiectasia; LOUIS-BAR SYNDROME; Ataxia-telangiectasia, complementation group E; Ataxia telangiectasia (A-T). Identifiers: Orphanet 100, MedGen C0004135, MONDO:0008840, OMIM 208900.
Hereditary cancer-predisposing syndrome. Also called: Tumor predisposition; Hereditary neoplastic syndrome; Hereditary Cancer Syndrome; Neoplastic Syndromes, Hereditary. Identifiers: Orphanet 140162, MedGen C0027672, MeSH D009386, MONDO:0015356.

Submissions (2):

Ambry Genetics
Classification: Uncertain significance for Hereditary cancer-predisposing syndrome. Last evaluated: 2026-01-22. Review status: criteria provided, single submitter. Criteria: Ambry Variant Classification Scheme 2023. Collection method: clinical testing. Allele origin: germline.
Comment: The p.L1611F variant (also known as c.4831C>T), located in coding exon 31 of the ATM gene, results from a C to T substitution at nucleotide position 4831. The leucine at codon 1611 is replaced by phenylalanine, an amino acid with highly similar properties. This amino acid position is conserved. In addition, the in silico prediction for this alteration is inconclusive. Based on the available evidence, the clinical significance of this variant remains unclear.

Labcorp Genetics (formerly Invitae), Labcorp
Classification: Uncertain significance for Ataxia-telangiectasia syndrome. Last evaluated: 2023-10-06. Review status: criteria provided, single submitter. Criteria: Invitae Variant Classification Sherloc (09022015). Collection method: clinical testing. Allele origin: germline.
Comment: This sequence change replaces leucine, which is neutral and non-polar, with phenylalanine, which is neutral and non-polar, at codon 1611 of the ATM protein (p.Leu1611Phe). This variant is not present in population databases (gnomAD no frequency). This variant has not been reported in the literature in individuals affected with ATM-related conditions. ClinVar contains an entry for this variant (Variation ID: 950380). An algorithm developed to predict the effect of missense changes on protein structure and function (PolyPhen-2) suggests that this variant is likely to be disruptive. In summary, the available evidence is currently insufficient to determine the role of this variant in disease. Therefore, it has been classified as a Variant of Uncertain Significance.

NM_000051.4(ATM):c.4831C>T (p.Leu1611Phe)

Gene: ATM (ATM serine/threonine kinase; plus strand). Cytogenetic location: 11q22.3.
Variant type: single nucleotide variant.
Coding change: c.4831C>T on transcript NM_000051.4 (MANE Select); coding-DNA position 4831, C replaced by T.
Protein change: p.Leu1611Phe; replaces leucine 1611 with phenylalanine.
Molecular consequence: missense variant.
Genome position (GRCh38, 1-based): chr11:108,294,981, C>T. VCF-style: chr11-108294981-C-T. GRCh37 (hg19) VCF-style: chr11-108165708-C-T.
Other names: c.4831C>T, p.Leu1611Phe (NM_001351834.2); short protein forms L1611F.
Identifiers: ClinVar variation 950380 (VCV000950380.10), dbSNP rs1026156596, ClinGen allele CA382536780.